The following is an entry in ClinVar:

ClinVar aggregate classification (germline): Uncertain significance (1 of 4 stars; one submission).

Allele frequency attached by ClinVar (database versions not stated): TOPMed below 0.00001; ExAC 0.00001; gnomAD 0.00001; gnomAD exomes 0.00001; ESP Exome Variant Server 0.00008; 1000 Genomes Project 30x 0.00016; 1000 Genomes Project 0.00020.
gnomAD v4.1: 5 of 1,578,946 alleles (0.00032%); highest among the groups gnomAD compares: Admixed American, 0.0088%; no homozygotes.

Submission:

Labcorp Genetics (formerly Invitae), Labcorp
Classification: Uncertain significance. Last evaluated: 2022-08-19. Review status: criteria provided, single submitter. Criteria: Invitae Variant Classification Sherloc (09022015). Collection method: clinical testing. Allele origin: germline.
Comment: This sequence change affects codon 178 of the SLC9A3 mRNA. It is a 'silent' change, meaning that it does not change the encoded amino acid sequence of the SLC9A3 protein. This variant is present in population databases (rs377100770, gnomAD 0.01%). This variant has not been reported in the literature in individuals affected with SLC9A3-related conditions. Algorithms developed to predict the effect of sequence changes on RNA splicing suggest that this variant may create or strengthen a splice site. In summary, the available evidence is currently insufficient to determine the role of this variant in disease. Therefore, it has been classified as a Variant of Uncertain Significance.

NM_004174.4(SLC9A3):c.534G>A (p.Leu178=)

Gene: SLC9A3 (solute carrier family 9 member A3). Cytogenetic location: 5p15.33.
Variant type: single nucleotide variant.
Coding change: c.534G>A on transcript NM_004174.4 (MANE Select); coding-DNA position 534, G replaced by A.
Protein change: p.Leu178=; no amino-acid change (leucine 178 retained).
Molecular consequence: synonymous variant.
Genome position (GRCh38, 1-based): chr5:488,457, C>T on the plus strand (G>A on the coding strand, the complement: SLC9A3 is on the minus strand). VCF-style: chr5-488457-C-T. GRCh37 (hg19) VCF-style: chr5-488572-C-T.
Other names: c.534G>A, p.Leu178= (NM_001284351.3).
Identifiers: ClinVar variation 1897040 (VCV001897040.2), dbSNP rs377100770, ClinGen allele CA3176294.